The following is an entry in ClinVar:

ClinVar aggregate classification (germline): Uncertain significance (1 of 4 stars; one submission).

Allele frequency attached by ClinVar (database versions not stated): ExAC 0.00001; gnomAD 0.00001; TOPMed 0.00001.

Submission:

Women's Health and Genetics/Laboratory Corporation of America, LabCorp
Classification: Uncertain significance. Last evaluated: 2024-04-10. Review status: criteria provided, single submitter. Criteria: LabCorp Variant Classification Summary - May 2015. Collection method: clinical testing. Allele origin: germline.
Comment: Variant summary: GLI2 c.3107C>T (p.Ala1036Val) results in a non-conservative amino acid change in the encoded protein sequence. Four of five in-silico tools predict a benign effect of the variant on protein function. The frequency data for this variant in gnomAD is considered unreliable, as metrics indicate poor data quality at this position. To our knowledge, no occurrence of c.3107C>T in individuals affected with GLI2-Related Disorders and no experimental evidence demonstrating its impact on protein function have been reported. No submitters have cited clinical-significance assessments for this variant to ClinVar. Based on the evidence outlined above, the variant was classified as uncertain significance.

NM_001374353.1(GLI2):c.3056C>T (p.Ala1019Val)

Gene: GLI2 (GLI family zinc finger 2; plus strand). Cytogenetic location: 2q14.2.
Variant type: single nucleotide variant.
Coding change: c.3056C>T on transcript NM_001374353.1 (MANE Select); coding-DNA position 3056, C replaced by T.
Protein change: p.Ala1019Val; replaces alanine 1019 with valine.
Molecular consequence: missense variant.
Genome position (GRCh38, 1-based): chr2:120,989,021, C>T. VCF-style: chr2-120989021-C-T. GRCh37 (hg19) VCF-style: chr2-121746597-C-T.
Other names: c.3107C>T, p.Ala1036Val (NM_001371271.1, NM_005270.5); c.2681C>T, p.Ala894Val (NM_001374354.1); short protein forms A1019V, A1036V, A894V.
Identifiers: ClinVar variation 3251373 (VCV003251373.1), dbSNP rs755093850.